The following is an entry in ClinVar:

ClinVar aggregate classification (germline): Likely pathogenic. Review status: criteria provided, multiple submitters, no conflicts (2 of 4 stars). 2 submissions from 2 submitters: Likely pathogenic (2). Last evaluated 2024-03-14.

Conditions:
Argininosuccinate lyase deficiency. Also called: ARGININOSUCCINIC ACID LYASE DEFICIENCY; ASL DEFICIENCY; Argininosuccinic aciduria. Identifiers: Orphanet 23, MedGen C0268547, MONDO:0008815, OMIM 207900, HP:0025630.

Allele frequency attached by ClinVar (database versions not stated): gnomAD exomes below 0.00001 and 0.00001; gnomAD 0.00001.

Submissions (2):

Fulgent Genetics
Classification: Likely pathogenic for Argininosuccinate lyase deficiency. Last evaluated: 2024-03-14. Review status: criteria provided, single submitter. Criteria: ACMG Guidelines, 2015. Collection method: clinical testing. Allele origin: germline.

Labcorp Genetics (formerly Invitae), Labcorp
Classification: Likely pathogenic for Argininosuccinate lyase deficiency. Last evaluated: 2023-09-06. Review status: criteria provided, single submitter. Criteria: Invitae Variant Classification Sherloc (09022015). Collection method: clinical testing. Allele origin: germline.
Comment: This variant is present in population databases (no rsID available, gnomAD 0.02%). This sequence change affects an acceptor splice site in intron 5 of the ASL gene. It is expected to disrupt RNA splicing. Variants that disrupt the donor or acceptor splice site typically lead to a loss of protein function (PMID: 16199547), and loss-of-function variants in ASL are known to be pathogenic (PMID: 2263616, 24166829). In summary, the currently available evidence indicates that the variant is pathogenic, but additional data are needed to prove that conclusively. Therefore, this variant has been classified as Likely Pathogenic. Algorithms developed to predict the effect of sequence changes on RNA splicing suggest that this variant may disrupt the consensus splice site. ClinVar contains an entry for this variant (Variation ID: 1066380). Disruption of this splice site has been observed in individual(s) with argininosuccinate lyase deficiency (PMID: 28251416).

Literature cited by the submitters: PubMed 16199547 (cited by Labcorp Genetics (formerly Invitae), Labcorp); PubMed 2263616 (cited by Labcorp Genetics (formerly Invitae), Labcorp); PubMed 24166829 (cited by Labcorp Genetics (formerly Invitae), Labcorp); PubMed 28251416 (cited by Labcorp Genetics (formerly Invitae), Labcorp).

NM_000048.4(ASL):c.349-1G>A

Gene: ASL (argininosuccinate lyase; plus strand). Cytogenetic location: 7q11.21.
Variant type: single nucleotide variant.
Coding change: c.349-1G>A on transcript NM_000048.4 (MANE Select); the canonical splice acceptor site of the intron before coding-DNA position 349, G replaced by A.
Molecular consequence: splice acceptor variant.
Genome position (GRCh38, 1-based): chr7:66,083,076, G>A. VCF-style: chr7-66083076-G-A. GRCh37 (hg19) VCF-style: chr7-65548063-G-A.
Other names: c.349-1G>A (NM_001024943.2, NM_001024944.2, NM_001024946.2).
Identifiers: ClinVar variation 1066380 (VCV001066380.10), dbSNP rs1395478201, ClinGen allele CA367639266.